The following is an entry in ClinVar:

NM_000088.4(COL1A1):c.2026A>T (p.Arg676Ter)

Gene: COL1A1 (collagen type I alpha 1 chain; minus strand). Cytogenetic location: 17q21.33.
Variant type: single nucleotide variant.
Coding change: c.2026A>T on transcript NM_000088.4 (MANE Select); coding-DNA position 2026, A replaced by T.
Protein change: p.Arg676Ter; replaces arginine 676 with a stop codon.
Molecular consequence: nonsense.
Genome position (GRCh38, 1-based): chr17:50,191,982, T>A on the plus strand (A>T on the coding strand, the complement: COL1A1 is on the minus strand). VCF-style: chr17-50191982-T-A. GRCh37 (hg19) VCF-style: chr17-48269343-T-A.
Other names: short protein forms R676*.
Identifiers: ClinVar variation 1451500 (VCV001451500.6), dbSNP rs2144561250, ClinGen allele CA400212203.

ClinVar aggregate classification (germline): Pathogenic (1 of 4 stars; one submission).

Conditions:
Osteogenesis imperfecta type I (OI1). Also called: Lobstein disease; OI, TYPE I; OSTEOGENESIS IMPERFECTA TARDA; OSTEOGENESIS IMPERFECTA WITH BLUE SCLERAE; Lobstein's Disease; Classic Non-deforming Osteogenesis Imperfecta with Blue Sclerae. Identifiers: Orphanet 216796, Orphanet 666, MedGen C0023931, MONDO:0008146, OMIM 166200. Disease mechanism: loss of function.

Submission:

Labcorp Genetics (formerly Invitae), Labcorp
Classification: Pathogenic for Osteogenesis imperfecta type I. Last evaluated: 2025-01-01. Review status: criteria provided, single submitter. Criteria: Invitae Variant Classification Sherloc (09022015). Collection method: clinical testing. Allele origin: germline.
Comment: This sequence change creates a premature translational stop signal (p.Arg676*) in the COL1A1 gene. It is expected to result in an absent or disrupted protein product. Loss-of-function variants in COL1A1 are known to be pathogenic (PMID: 7942841, 9295084, 9443882). This variant is not present in population databases (gnomAD no frequency). This variant has not been reported in the literature in individuals affected with COL1A1-related conditions. ClinVar contains an entry for this variant (Variation ID: 1451500). For these reasons, this variant has been classified as Pathogenic.

Literature cited by the submitters: PubMed 7942841; PubMed 9295084; PubMed 9443882.